The following is an entry in ClinVar:

ClinVar aggregate classification (germline): Pathogenic (1 of 4 stars; one submission).

Conditions:
X-linked agammaglobulinemia with growth hormone deficiency (IGHD3). Also called: IGHD III; AGAMMAGLOBULINEMIA AND ISOLATED GROWTH HORMONE DEFICIENCY, X-LINKED; FLEISHER SYNDROME; HYPOGAMMAGLOBULINEMIA AND ISOLATED GROWTH HORMONE DEFICIENCY, X-LINKED; Isolated growth hormone deficiency type 3; Growth hormone deficiency with hypogammaglobulinemia. Identifiers: Orphanet 231692, Orphanet 631, MedGen C0472813, MONDO:0010615, OMIM 307200.

Submission:

Labcorp Genetics (formerly Invitae), Labcorp
Classification: Pathogenic for X-linked agammaglobulinemia with growth hormone deficiency. Last evaluated: 2023-12-04. Review status: criteria provided, single submitter. Criteria: Invitae Variant Classification Sherloc (09022015). Collection method: clinical testing. Allele origin: germline.
Comment: This sequence change replaces leucine, which is neutral and non-polar, with proline, which is neutral and non-polar, at codon 512 of the BTK protein (p.Leu512Pro). This variant is not present in population databases (gnomAD no frequency). This missense change has been observed in individuals with agammaglobulinemia (PMID: 10612838, 11438999, 15024743; Invitae). ClinVar contains an entry for this variant (Variation ID: 1458043). Advanced modeling of protein sequence and biophysical properties (such as structural, functional, and spatial information, amino acid conservation, physicochemical variation, residue mobility, and thermodynamic stability) performed at Invitae indicates that this missense variant is expected to disrupt BTK protein function with a positive predictive value of 80%. This variant disrupts the p.Leu512 amino acid residue in BTK. Other variant(s) that disrupt this residue have been observed in individuals with BTK-related conditions (PMID: 10612838), which suggests that this may be a clinically significant amino acid residue. For these reasons, this variant has been classified as Pathogenic.

Literature cited by the submitters: PubMed 10612838; PubMed 11438999; PubMed 15024743.

NM_000061.3(BTK):c.1535T>C (p.Leu512Pro)

Gene: BTK (Bruton tyrosine kinase; minus strand). Cytogenetic location: Xq22.1.
Variant type: single nucleotide variant.
Coding change: c.1535T>C on transcript NM_000061.3 (MANE Select); coding-DNA position 1535, T replaced by C.
Protein change: p.Leu512Pro; replaces leucine 512 with proline.
Molecular consequence: missense variant. On other transcripts: intron variant (1).
Genome position (GRCh38, 1-based): chrX:101,356,083, A>G on the plus strand (T>C on the coding strand, the complement: BTK is on the minus strand). VCF-style: chrX-101356083-A-G. GRCh37 (hg19) VCF-style: chrX-100611071-A-G.
Other names: c.1637T>C, p.Leu546Pro (NM_001287344.2); c.1039-1389T>C (NM_001287345.2); short protein forms L546P, L512P.
Identifiers: ClinVar variation 1458043 (VCV001458043.6), dbSNP rs2147427255, ClinGen allele CA413923311.